The following is an entry in ClinVar:

NM_001003800.2(BICD2):c.365A>G (p.Gln122Arg)

Gene: BICD2 (BICD cargo adaptor 2; minus strand). Cytogenetic location: 9q22.31.
Variant type: single nucleotide variant.
Coding change: c.365A>G on transcript NM_001003800.2 (MANE Select); coding-DNA position 365, A replaced by G.
Protein change: p.Gln122Arg; replaces glutamine 122 with arginine.
Molecular consequence: missense variant.
Genome position (GRCh38, 1-based): chr9:92,729,112, T>C on the plus strand (A>G on the coding strand, the complement: BICD2 is on the minus strand). VCF-style: chr9-92729112-T-C. GRCh37 (hg19) VCF-style: chr9-95491394-T-C.
Other names: c.365A>G, p.Gln122Arg (NM_015250.4); short protein forms Q122R.
Identifiers: ClinVar variation 1676124 (VCV001676124.40), dbSNP rs1477596230, ClinGen allele CA374027122.

ClinVar aggregate classification (germline): Uncertain significance. Review status: criteria provided, multiple submitters, no conflicts (2 of 4 stars). 3 submissions from 3 submitters: Uncertain significance (3). Last evaluated 2024-06-01.

Conditions:
Inborn genetic diseases. Identifiers: MedGen C0950123, MeSH D030342.
Autosomal dominant childhood-onset proximal spinal muscular atrophy with contractures (SMALED2A). Also called: SPINAL MUSCULAR ATROPHY, LOWER EXTREMITY-PREDOMINANT, 2A, CHILDHOOD ONSET, AUTOSOMAL DOMINANT; Spinal muscular atrophy, lower extremity-predominant, 2A, autosomal dominant. Identifiers: Orphanet 363447, Orphanet 363454, MedGen C4747715, MONDO:0014121, OMIM 615290.

Allele frequency attached by ClinVar (database versions not stated): gnomAD exomes 0.00001; gnomAD 0.00002; TOPMed 0.00003.
gnomAD v4.1: 12 of 1,614,146 alleles (0.00074%); highest among the groups gnomAD compares: African/African-American, 0.0067%; no homozygotes.

Submissions (3):

CeGaT Center for Human Genetics Tuebingen
Classification: Uncertain significance. Last evaluated: 2024-06-01. Review status: criteria provided, single submitter. Criteria: CeGaT Center For Human Genetics Tuebingen Variant Classification Criteria Version 2. Collection method: clinical testing. Allele origin: germline. Affected: yes. Observed: 2 variant alleles.
Comment: BICD2: PM2

Labcorp Genetics (formerly Invitae), Labcorp
Classification: Uncertain significance for Autosomal dominant childhood-onset proximal spinal muscular atrophy with contractures. Last evaluated: 2023-10-20. Review status: criteria provided, single submitter. Criteria: Invitae Variant Classification Sherloc (09022015). Collection method: clinical testing. Allele origin: germline.
Comment: This sequence change replaces glutamine, which is neutral and polar, with arginine, which is basic and polar, at codon 122 of the BICD2 protein (p.Gln122Arg). This variant is present in population databases (no rsID available, gnomAD 0.007%). This variant has not been reported in the literature in individuals affected with BICD2-related conditions. ClinVar contains an entry for this variant (Variation ID: 1676124). Advanced modeling of protein sequence and biophysical properties (such as structural, functional, and spatial information, amino acid conservation, physicochemical variation, residue mobility, and thermodynamic stability) performed at Invitae indicates that this missense variant is expected to disrupt BICD2 protein function. In summary, the available evidence is currently insufficient to determine the role of this variant in disease. Therefore, it has been classified as a Variant of Uncertain Significance.

Ambry Genetics
Classification: Uncertain significance for Inborn genetic diseases. Last evaluated: 2020-12-04. Review status: criteria provided, single submitter. Criteria: Ambry Variant Classification Scheme 2023. Collection method: clinical testing. Allele origin: germline.
Comment: The p.Q122R variant (also known as c.365A>G), located in coding exon 2 of the BICD2 gene, results from an A to G substitution at nucleotide position 365. The glutamine at codon 122 is replaced by arginine, an amino acid with highly similar properties. This amino acid position is highly conserved in available vertebrate species. In addition, the in silico prediction for this alteration is inconclusive. Since supporting evidence is limited at this time, the clinical significance of this alteration remains unclear.